The following is an entry in ClinVar:

ClinVar aggregate classification (germline): Conflicting classifications of pathogenicity. Review status: criteria provided, conflicting classifications (1 of 4 stars). 6 submissions from 6 submitters: Uncertain significance (5); Likely benign (1). Last evaluated 2025-12-01.

Conditions:
Inborn genetic diseases. Identifiers: MedGen C0950123, MeSH D030342.

Allele frequency attached by ClinVar (database versions not stated): gnomAD exomes 0.00003; ESP Exome Variant Server 0.00008; 1000 Genomes Project 0.00020; TOPMed 0.00025; 1000 Genomes Project 30x 0.00031.
gnomAD v4.1: 71 of 1,610,116 alleles (0.0044%); highest among the groups gnomAD compares: African/African-American, 0.067%; no homozygotes.

Submissions (6):

Labcorp Genetics (formerly Invitae), Labcorp
Classification: Uncertain significance. Last evaluated: 2025-12-01. Review status: criteria provided, single submitter. Criteria: Invitae Variant Classification Sherloc (09022015). Collection method: clinical testing. Allele origin: germline.
Comment: This sequence change replaces arginine, which is basic and polar, with leucine, which is neutral and non-polar, at codon 19 of the ANKRD26 protein (p.Arg19Leu). This variant is present in population databases (rs201912159, gnomAD 0.06%), and has an allele count higher than expected for a pathogenic variant. This variant has not been reported in the literature in individuals affected with ANKRD26-related conditions. ClinVar contains an entry for this variant (Variation ID: 2499322). An algorithm developed to predict the effect of missense changes on protein structure and function outputs the following: PolyPhen-2: "Benign". The leucine amino acid residue is found in multiple mammalian species, which suggests that this missense change does not adversely affect protein function. In summary, the available evidence is currently insufficient to determine the role of this variant in disease. Therefore, it has been classified as a Variant of Uncertain Significance.

Ambry Genetics
Classification: Uncertain significance for Inborn genetic diseases. Last evaluated: 2024-11-25. Review status: criteria provided, single submitter. Criteria: Ambry Variant Classification Scheme 2023. Collection method: clinical testing. Allele origin: germline.
Comment: The p.R19L variant (also known as c.56G>T), located in coding exon 1 of the ANKRD26 gene, results from a G to T substitution at nucleotide position 56. The arginine at codon 19 is replaced by leucine, an amino acid with dissimilar properties. This amino acid position is conserved. In addition, this alteration is predicted to be tolerated by in silico analysis. Based on the available evidence, the clinical significance of this variant remains unclear.

Mayo Clinic Laboratories, Mayo Clinic
Classification: Uncertain significance. Last evaluated: 2024-09-06. Review status: criteria provided, single submitter. Criteria: ACMG Guidelines, 2015. Collection method: clinical testing. Allele origin: germline. Observed: 6 variant alleles.
Comment: BP4

Revvity Omics, Revvity
Classification: Uncertain significance. Last evaluated: 2024-05-22. Review status: criteria provided, single submitter. Criteria: ACMG Guidelines, 2015. Collection method: clinical testing. Allele origin: germline.

Blueprint Genetics
Classification: Likely benign. Last evaluated: 2023-07-26. Review status: criteria provided, single submitter. Criteria: ACMG Guidelines, 2015. Collection method: clinical testing. Allele origin: germline.

GeneDx
Classification: Uncertain significance. Last evaluated: 2022-10-11. Review status: criteria provided, single submitter. Criteria: GeneDx Variant Classification Process June 2021. Collection method: clinical testing. Allele origin: germline. Affected: yes.
Comment: In silico analysis supports that this missense variant does not alter protein structure/function; Has not been previously published as pathogenic or benign to our knowledge

NM_014915.3(ANKRD26):c.56G>T (p.Arg19Leu)

Genes: ANKRD26 (ankyrin repeat domain 26; minus strand), LOC130003554 (ATAC-STARR-seq lymphoblastoid silent region 2243; plus strand). Cytogenetic location: 10p12.1.
Variant type: single nucleotide variant.
Coding change: c.56G>T on transcript NM_014915.3 (MANE Select); coding-DNA position 56, G replaced by T.
Protein change: p.Arg19Leu; replaces arginine 19 with leucine.
Molecular consequence: missense variant.
Genome position (GRCh38, 1-based): chr10:27,100,271, C>A on the plus strand (G>T on the coding strand, the complement: ANKRD26 is on the minus strand). VCF-style: chr10-27100271-C-A. GRCh37 (hg19) VCF-style: chr10-27389200-C-A.
Other names: p.Arg19Leu; c.56G>T, p.Arg19Leu (NM_001256053.2); short protein forms R19L.
Identifiers: ClinVar variation 2499322 (VCV002499322.9), dbSNP rs201912159, ClinGen allele CA5449085.